The following is an entry in ClinVar:

ClinVar aggregate classification (germline): Uncertain significance (1 of 4 stars; one submission).

Conditions:
Charcot-Marie-Tooth disease type 4. Also called: Charcot-Marie-Tooth disease, type IV; Charcot-Marie-Tooth, Type 4. Identifiers: Orphanet 64749, MedGen C4082197, MONDO:0018995.

Submission:

Labcorp Genetics (formerly Invitae), Labcorp
Classification: Uncertain significance for Charcot-Marie-Tooth disease type 4. Last evaluated: 2018-06-23. Review status: criteria provided, single submitter. Criteria: Invitae Variant Classification Sherloc (09022015). Collection method: clinical testing. Allele origin: germline.
Comment: This variant is not present in population databases (ExAC no frequency). In summary, the available evidence is currently insufficient to determine the role of this variant in disease. Therefore, it has been classified as a Variant of Uncertain Significance. Algorithms developed to predict the effect of missense changes on protein structure and function (SIFT, PolyPhen-2, Align-GVGD) all suggest that this variant is likely to be disruptive, but these predictions have not been confirmed by published functional studies and their clinical significance is uncertain. This variant has not been reported in the literature in individuals with FGD4-related disease. This sequence change replaces glutamic acid with glycine at codon 198 of the FGD4 protein (p.Glu198Gly). The glutamic acid residue is highly conserved and there is a moderate physicochemical difference between glutamic acid and glycine.

NM_001370298.3(FGD4):c.1004A>G (p.Glu335Gly)

Gene: FGD4 (FYVE, RhoGEF and PH domain containing 4; plus strand). Cytogenetic location: 12p11.21.
Variant type: single nucleotide variant.
Coding change: c.1004A>G on transcript NM_001370298.3 (MANE Select); coding-DNA position 1004, A replaced by G.
Protein change: p.Glu335Gly; replaces glutamic acid 335 with glycine.
Molecular consequence: missense variant. On other transcripts: 5 prime UTR variant (2), non-coding transcript variant (1), intron variant (1).
Genome position (GRCh38, 1-based): chr12:32,582,460, A>G. VCF-style: chr12-32582460-A-G. GRCh37 (hg19) VCF-style: chr12-32735394-A-G.
Other names: c.848A>G, p.Glu283Gly (NM_001304481.2); c.-252A>G (NM_001304483.2); c.-559A>G (NM_001304484.2); c.314A>G, p.Glu105Gly (NM_001330373.2, NM_001330374.2, NM_001384130.1); c.1004A>G, p.Glu335Gly (NM_001384126.1); c.593A>G, p.Glu198Gly (NM_001384127.1, NM_001384128.1, NM_001384131.1 and 3 more transcripts); c.49-16037A>G (NM_001370297.1); short protein forms E198G, E283G, E105G, E335G.
Identifiers: ClinVar variation 573965 (VCV000573965.8), dbSNP rs1304257221, ClinGen allele CA384356592.